The following is an entry in ClinVar:

ClinVar aggregate classification (germline): Uncertain significance (1 of 4 stars; one submission).

Conditions:
Spastic paraplegia. Identifiers: MedGen C0037772, HP:0001258.

Submission:

Labcorp Genetics (formerly Invitae), Labcorp
Classification: Uncertain significance for Spastic paraplegia. Last evaluated: 2021-06-09. Review status: criteria provided, single submitter. Criteria: Invitae Variant Classification Sherloc (09022015). Collection method: clinical testing. Allele origin: germline.
Comment: This sequence change replaces alanine with threonine at codon 1449 of the ZFYVE26 protein (p.Ala1449Thr). The alanine residue is moderately conserved and there is a small physicochemical difference between alanine and threonine. This variant is not present in population databases (ExAC no frequency). This variant has not been reported in the literature in individuals with ZFYVE26-related conditions. Algorithms developed to predict the effect of missense changes on protein structure and function (SIFT, PolyPhen-2, Align-GVGD) all suggest that this variant is likely to be tolerated, but these predictions have not been confirmed by published functional studies and their clinical significance is uncertain. In summary, the available evidence is currently insufficient to determine the role of this variant in disease. Therefore, it has been classified as a Variant of Uncertain Significance.

NM_015346.4(ZFYVE26):c.4345G>A (p.Ala1449Thr)

Gene: ZFYVE26 (zinc finger FYVE-type containing 26; minus strand). Cytogenetic location: 14q24.1.
Variant type: single nucleotide variant.
Coding change: c.4345G>A on transcript NM_015346.4 (MANE Select); coding-DNA position 4345, G replaced by A.
Protein change: p.Ala1449Thr; replaces alanine 1449 with threonine.
Molecular consequence: missense variant.
Genome position (GRCh38, 1-based): chr14:67,782,807, C>T on the plus strand (G>A on the coding strand, the complement: ZFYVE26 is on the minus strand). VCF-style: chr14-67782807-C-T. GRCh37 (hg19) VCF-style: chr14-68249524-C-T.
Other names: short protein forms A1449T.
Identifiers: ClinVar variation 1360130 (VCV001360130.8), dbSNP rs1475111598, ClinGen allele CA390170016.